The following is an entry in ClinVar:

NM_000222.3(KIT):c.926A>G (p.Asp309Gly)

Gene: KIT (KIT proto-oncogene, receptor tyrosine kinase; plus strand). Cytogenetic location: 4q12.
Variant type: single nucleotide variant.
Coding change: c.926A>G on transcript NM_000222.3 (MANE Select); coding-DNA position 926, A replaced by G.
Protein change: p.Asp309Gly; replaces aspartic acid 309 with glycine.
Molecular consequence: missense variant.
Genome position (GRCh38, 1-based): chr4:54,707,098, A>G. VCF-style: chr4-54707098-A-G. GRCh37 (hg19) VCF-style: chr4-55573264-A-G.
Other names: c.926A>G, p.Asp309Gly (NM_001093772.2, NM_001385285.1, NM_001385286.1); c.929A>G, p.Asp310Gly (NM_001385284.1, NM_001385288.1, NM_001385290.1 and 1 more transcripts); short protein forms D309G, D310G.
Identifiers: ClinVar variation 5023339 (VCV005023339.1).
Genomic context (GRCh38, chr4:54,707,098, plus strand): 5'-GTTTTTTTGTCCAGTAGTTGTAGATAATGGTTTCTTTCTGTCTTATTTCATTCTAATTAG[A>G]TAAAGGATTCATTAATATCTTCCCCATGATAAACACTACAGTATTTGTAAACGATGGAGA-3'
Protein context (NP_000213.1, residues 299-319): ANVTTTLEVV[Asp309Gly]KGFINIFPMI

ClinVar aggregate classification (germline): Uncertain significance (1 of 4 stars; one submission).

Conditions:
Hereditary cancer-predisposing syndrome. Also called: Neoplastic Syndromes, Hereditary; Tumor predisposition; Hereditary neoplastic syndrome; Hereditary Cancer Syndrome. Identifiers: Orphanet 140162, MedGen C0027672, MeSH D009386, MONDO:0015356.

Submission:

Ambry Genetics
Classification: Uncertain significance for Hereditary cancer-predisposing syndrome. Last evaluated: 2026-08-26. Review status: criteria provided, single submitter. Criteria: Ambry Variant Classification Scheme 2023. Collection method: clinical testing. Allele origin: germline.
Comment: The p.D309G variant (also known as c.926A>G) is located in coding exon 6 of the KIT gene. The aspartic acid at codon 309 is replaced by glycine, an amino acid with similar properties. This change occurs in the first base pair of coding exon 6. This amino acid position is not well conserved in available vertebrate species. In addition, this alteration is predicted to be tolerated by in silico analysis. Based on the available evidence, the clinical significance of this variant remains unclear.